The following is an entry in ClinVar:

NM_006182.4(DDR2):c.437A>G (p.Asn146Ser)

Gene: DDR2 (discoidin domain receptor tyrosine kinase 2; plus strand). Cytogenetic location: 1q23.3.
Variant type: single nucleotide variant.
Coding change: c.437A>G on transcript NM_006182.4 (MANE Select); coding-DNA position 437, A replaced by G.
Protein change: p.Asn146Ser; replaces asparagine 146 with serine.
Molecular consequence: missense variant.
Genome position (GRCh38, 1-based): chr1:162,755,175, A>G. VCF-style: chr1-162755175-A-G. GRCh37 (hg19) VCF-style: chr1-162724965-A-G.
Other names: c.437A>G, p.Asn146Ser (LRG_1390t1, NM_001014796.3, NM_001354982.2 and 1 more transcripts); short protein forms N146S.
Identifiers: ClinVar variation 281651 (VCV000281651.6), dbSNP rs201150529, ClinGen allele CA1217246.

ClinVar aggregate classification (germline): Uncertain significance. Review status: criteria provided, multiple submitters, no conflicts (2 of 4 stars). 2 submissions from 2 submitters: Uncertain significance (2). Last evaluated 2022-04-17.

Allele frequency attached by ClinVar (database versions not stated): gnomAD exomes 0.00004; TOPMed 0.00004; gnomAD 0.00005; ExAC 0.00006; ESP Exome Variant Server 0.00008.
gnomAD v4.1: 166 of 1,613,820 alleles (0.01%); highest among the groups gnomAD compares: Non-Finnish European, 0.014%; no homozygotes.

Submissions (2):

Labcorp Genetics (formerly Invitae), Labcorp
Classification: Uncertain significance. Last evaluated: 2022-04-17. Review status: criteria provided, single submitter. Criteria: Invitae Variant Classification Sherloc (09022015). Collection method: clinical testing. Allele origin: germline.
Comment: This sequence change replaces asparagine, which is neutral and polar, with serine, which is neutral and polar, at codon 146 of the DDR2 protein (p.Asn146Ser). This variant is present in population databases (rs201150529, gnomAD 0.008%). This variant has not been reported in the literature in individuals affected with DDR2-related conditions. ClinVar contains an entry for this variant (Variation ID: 281651). Algorithms developed to predict the effect of missense changes on protein structure and function are either unavailable or do not agree on the potential impact of this missense change (SIFT: "Deleterious"; PolyPhen-2: "Benign"; Align-GVGD: "Class C0"). In summary, the available evidence is currently insufficient to determine the role of this variant in disease. Therefore, it has been classified as a Variant of Uncertain Significance.

Eurofins Ntd Llc (ga)
Classification: Uncertain significance. Last evaluated: 2015-07-07. Review status: criteria provided, single submitter. Criteria: EGL Classification Definitions 2015. Collection method: clinical testing. Allele origin: germline. Observed: 1 variant allele, 1 heterozygote.